The following is an entry in ClinVar:

ClinVar aggregate classification (germline): Uncertain significance (1 of 4 stars; one submission).

Submission:

GeneDx
Classification: Uncertain significance. Last evaluated: 2026-04-07. Review status: criteria provided, single submitter. Criteria: GeneDx Variant Classification Process June 2021. Collection method: clinical testing. Allele origin: germline.
Comment: Not observed at significant frequency in large population cohorts (gnomAD); In-frame deletion of 2 amino acid(s) and insertion of 2 different amino acid(s) in a non-repeat region; In silico analysis suggests that this variant does not alter protein structure/function; Has not been previously published as pathogenic or benign to our knowledge

NM_000384.3(APOB):c.10341_10343delinsAAG (p.Asn3447_Thr3448delinsLysSer)

Gene: APOB (apolipoprotein B; minus strand). Cytogenetic location: 2p24.1.
Variant type: Indel.
Coding change: c.10341_10343delinsAAG on transcript NM_000384.3 (MANE Select); coding-DNA positions 10341 to 10343, TAC replaced by AAG.
Protein change: p.Asn3447_Thr3448delinsLysSer.
Molecular consequence: missense variant.
Genome position (GRCh38, 1-based): chr2:21,006,525-21,006,527, GTA replaced by CTT on the plus strand (TAC replaced by AAG on the coding strand, the reverse complement: APOB is on the minus strand). VCF-style: chr2-21006525-GTA-CTT. GRCh37 (hg19) VCF-style: chr2-21229397-GTA-CTT.
Identifiers: ClinVar variation 5018279 (VCV005018279.1).
Genomic context (GRCh38, chr2:21,006,525, plus strand): 5'-ATTGAAGAATTGAAATCATACTTAAATTCCATGGAGGAAGAGACAGTAGGTTTTGACTTG[GTA>CTT]TTTCCATTAAGTTCTTGCTTGAAATTCATTCTCAAAATTGGAATTTGGGCTTTTGTGGTT-3'